The following is an entry in ClinVar:

ClinVar aggregate classification (germline): Benign. Review status: criteria provided, multiple submitters, no conflicts (2 of 4 stars). 2 submissions from 2 submitters: Benign (2). Last evaluated 2024-07-31.

Conditions:
Intellectual developmental disorder, X-linked 30. Also called: Intellectual disability, X-linked 30; MENTAL RETARDATION, X-LINKED 47. Identifiers: Orphanet 777, MedGen C0796237, MONDO:0010361, OMIM 300558.

Allele frequency attached by ClinVar (database versions not stated): ExAC 0.00002; gnomAD exomes 0.00003 and 0.00004; TOPMed 0.00003; gnomAD 0.00005.
gnomAD v4.1: 51 of 1,199,883 alleles (0.0043%); highest among the groups gnomAD compares: African/African-American, 0.011%; no homozygotes.

Submissions (2):

Labcorp Genetics (formerly Invitae), Labcorp
Classification: Benign. Last evaluated: 2024-07-31. Review status: criteria provided, single submitter. Criteria: Invitae Variant Classification Sherloc (09022015). Collection method: clinical testing. Allele origin: germline.

Illumina Laboratory Services, Illumina
Classification: Benign for Intellectual developmental disorder, X-linked 30. Last evaluated: 2018-01-13. Review status: criteria provided, single submitter. Criteria: ICSL Variant Classification Criteria 13 December 2019. Collection method: clinical testing. Allele origin: germline.
Comment: This variant was observed in the ICSL laboratory as part of a predisposition screen in an ostensibly healthy population. It had not been previously curated by ICSL or reported in the Human Gene Mutation Database (HGMD: prior to June 1st, 2018), and was therefore a candidate for classification through an automated scoring system. Utilizing variant allele frequency, disease prevalence and penetrance estimates, and inheritance mode, an automated score was calculated to assess if this variant is too frequent to cause the disease. Based on the score and internal cut-off values, a variant classified as benign is not then subjected to further curation. The score for this variant resulted in a classification of benign for this disease.

NM_002578.5(PAK3):c.9C>T (p.Asp3=)

Gene: PAK3 (p21 (RAC1) activated kinase 3; plus strand). Cytogenetic location: Xq23.
Variant type: single nucleotide variant.
Coding change: c.9C>T on transcript NM_002578.5 (MANE Select); coding-DNA position 9, C replaced by T.
Protein change: p.Asp3=; no amino-acid change (aspartic acid 3 retained).
Molecular consequence: synonymous variant. On other transcripts: non-coding transcript variant (9).
Genome position (GRCh38, 1-based): chrX:111,123,112, C>T. VCF-style: chrX-111123112-C-T. GRCh37 (hg19) VCF-style: chrX-110366340-C-T.
Other names: c.9C>T, p.Asp3= (NM_001128166.3, NM_001128167.3, NM_001128168.3 and 12 more transcripts).
Identifiers: ClinVar variation 914027 (VCV000914027.11), dbSNP rs745645606, ClinGen allele CA10492566.